The following is an entry in ClinVar:

NM_001350814.2(GRB10):c.1086C>T (p.Leu362=)

Gene: GRB10 (growth factor receptor bound protein 10; minus strand). Cytogenetic location: 7p12.1.
Variant type: single nucleotide variant.
Coding change: c.1086C>T on transcript NM_001350814.2 (MANE Select); coding-DNA position 1086, C replaced by T.
Protein change: p.Leu362=; no amino-acid change (leucine 362 retained).
Molecular consequence: synonymous variant.
Genome position (GRCh38, 1-based): chr7:50,614,779, G>A on the plus strand (C>T on the coding strand, the complement: GRB10 is on the minus strand). VCF-style: chr7-50614779-G-A. GRCh37 (hg19) VCF-style: chr7-50682476-G-A.
Other names: c.948C>T, p.Leu316= (NM_001001549.3); c.912C>T, p.Leu304= (NM_001001550.3, NM_001001555.3, NM_001350816.3 and 1 more transcripts); c.1200C>T, p.Leu400= (NM_001350815.2); c.1233C>T, p.Leu411= (NM_001371009.1).
Identifiers: ClinVar variation 3047124 (VCV003047124.2), dbSNP rs370043368, ClinGen allele CA4262770.

ClinVar aggregate classification (germline): Likely benign (0 of 4 stars; one submission).

Conditions:
GRB10-related disorder. Also called: GRB10-related condition.

Allele frequency attached by ClinVar (database versions not stated): gnomAD 0.00002; TOPMed 0.00002; ExAC 0.00003; gnomAD exomes 0.00006; ESP Exome Variant Server 0.00016.

Submission:

PreventionGenetics, part of Exact Sciences
Classification: Likely benign for GRB10-related condition. Last evaluated: 2019-02-28. Review status: no assertion criteria provided. Collection method: clinical testing. Allele origin: germline.
Comment: This variant is classified as likely benign based on ACMG/AMP sequence variant interpretation guidelines (Richards et al. 2015 PMID: 25741868, with internal and published modifications).